The following is an entry in ClinVar:

ClinVar aggregate classification (germline): Uncertain significance (1 of 4 stars; one submission).

Submission:

Ambry Genetics
Classification: Uncertain significance. Last evaluated: 2023-05-27. Review status: criteria provided, single submitter. Criteria: Ambry Variant Classification Scheme 2023. Collection method: clinical testing. Allele origin: germline.
Comment: The p.T147R variant (also known as c.440C>G), located in coding exon 1 of the MLH3 gene, results from a C to G substitution at nucleotide position 440. The threonine at codon 147 is replaced by arginine, an amino acid with similar properties. This amino acid position is conserved. In addition, this alteration is predicted to be tolerated by in silico analysis. Since supporting evidence is limited at this time, the clinical significance of this alteration remains unclear.

NM_001040108.2(MLH3):c.440C>G (p.Thr147Arg)

Gene: MLH3 (mutL homolog 3; minus strand). Cytogenetic location: 14q24.3.
Variant type: single nucleotide variant.
Coding change: c.440C>G on transcript NM_001040108.2 (MANE Select); coding-DNA position 440, C replaced by G.
Protein change: p.Thr147Arg; replaces threonine 147 with arginine.
Molecular consequence: missense variant.
Genome position (GRCh38, 1-based): chr14:75,049,216, G>C on the plus strand (C>G on the coding strand, the complement: MLH3 is on the minus strand). VCF-style: chr14-75049216-G-C. GRCh37 (hg19) VCF-style: chr14-75515919-G-C.
Other names: c.440C>G, p.Thr147Arg (NM_014381.3); short protein forms T147R.
Identifiers: ClinVar variation 2563573 (VCV002563573.2), dbSNP rs1892493006, ClinGen allele CA390450275.